The following is an entry in ClinVar:

NM_004173.3(SLC7A4):c.911C>A (p.Ala304Glu)

Gene: SLC7A4 (solute carrier family 7 member 4; minus strand). Cytogenetic location: 22q11.21.
Variant type: single nucleotide variant.
Coding change: c.911C>A on transcript NM_004173.3 (MANE Select); coding-DNA position 911, C replaced by A.
Protein change: p.Ala304Glu; replaces alanine 304 with glutamic acid.
Molecular consequence: missense variant.
Genome position (GRCh38, 1-based): chr22:21,030,902, G>T on the plus strand (C>A on the coding strand, the complement: SLC7A4 is on the minus strand). VCF-style: chr22-21030902-G-T. GRCh37 (hg19) VCF-style: chr22-21385191-G-T.
Other names: short protein forms A304E.
Identifiers: ClinVar variation 2652933 (VCV002652933.24), dbSNP rs149158975, ClinGen allele CA10120769.

ClinVar aggregate classification (germline): Likely benign (1 of 4 stars; one submission).

Allele frequency attached by ClinVar (database versions not stated): 1000 Genomes Project 30x 0.00172; 1000 Genomes Project 0.00180; ESP Exome Variant Server 0.00223.
gnomAD v4.1: 4,235 of 1,613,640 alleles (0.26%); highest among the groups gnomAD compares: Middle Eastern, 0.45%; 21 homozygotes.

Submission:

CeGaT Center for Human Genetics Tuebingen
Classification: Likely benign. Last evaluated: 2023-08-01. Review status: criteria provided, single submitter. Criteria: CeGaT Center For Human Genetics Tuebingen Variant Classification Criteria Version 2. Collection method: clinical testing. Allele origin: germline. Affected: yes. Observed: 1 variant allele.
Comment: SLC7A4: BS2